The following is an entry in ClinVar:

NM_007294.4(BRCA1):c.4846G>A (p.Ala1616Thr)

Gene: BRCA1 (BRCA1 DNA repair associated; minus strand). Cytogenetic location: 17q21.31.
Variant type: single nucleotide variant.
Coding change: c.4846G>A on transcript NM_007294.4 (MANE Select); coding-DNA position 4846, G replaced by A.
Protein change: p.Ala1616Thr; replaces alanine 1616 with threonine.
Molecular consequence: missense variant. On other transcripts: non-coding transcript variant (1).
Genome position (GRCh38, 1-based): chr17:43,071,068, C>T on the plus strand (G>A on the coding strand, the complement: BRCA1 is on the minus strand). VCF-style: chr17-43071068-C-T. GRCh37 (hg19) VCF-style: chr17-41223085-C-T.
Other names: p.Ala1616Thr; c.4633G>A, p.Ala1545Thr (NM_001407571.1, NM_001407898.1, NM_001407899.1 and 12 more transcripts); c.4912G>A, p.Ala1638Thr (NM_001407581.1, NM_001407582.1); c.4909G>A, p.Ala1637Thr (NM_001407583.1, NM_001407585.1, NM_001407587.1 and 1 more transcripts); c.4906G>A, p.Ala1636Thr (NM_001407590.1, NM_001407591.1); c.4846G>A, p.Ala1616Thr (NM_001407593.1, NM_001407594.1, NM_001407596.1 and 8 more transcripts); c.4843G>A, p.Ala1615Thr (NM_001407610.1, NM_001407611.1, NM_001407612.1 and 17 more transcripts); c.4840G>A, p.Ala1614Thr (NM_001407627.1, NM_001407628.1, NM_001407629.1 and 14 more transcripts); and 71 more; short protein forms A1569T, A512T, A1616T, A1637T, A1462T, A1487T, A1504T, A1545T.
Identifiers: ClinVar variation 971555 (VCV000971555.17), dbSNP rs890599236, ClinGen allele CA10591834.

ClinVar aggregate classification (germline): Conflicting classifications of pathogenicity. Review status: criteria provided, conflicting classifications (1 of 4 stars). 8 submissions from 8 submitters: Uncertain significance (7); Benign (1). Last evaluated 2025-12-29.

Conditions:
Breast-ovarian cancer, familial, susceptibility to, 1 (BROVCA1). Also called: BRCA1 Hereditary Breast and Ovarian Cancer; OVARIAN CANCER, SUSCEPTIBILITY TO. Identifiers: Orphanet 145, MedGen C2676676, MONDO:0011450, OMIM 604370. Disease mechanism: loss of function.
BRCA1-related cancer predisposition. Identifiers: MedGen CN377757, MONDO:0700268.
BRCA1-related disorder. Also called: BRCA1-related condition.
Hereditary cancer-predisposing syndrome. Also called: Tumor predisposition; Hereditary Cancer Syndrome; Hereditary neoplastic syndrome; Neoplastic Syndromes, Hereditary. Identifiers: Orphanet 140162, MedGen C0027672, MeSH D009386, MONDO:0015356.
Hereditary breast ovarian cancer syndrome. Also called: Hereditary breast and ovarian cancer syndrome; Hereditary breast and ovarian cancer syndrome (HBOC); Breast and ovarian cancer; Hereditary breast and ovarian cancer; Hereditary breast and/or ovarian cancer syndrome; BRCA1- and BRCA2-Associated Hereditary Breast and Ovarian Cancer. Identifiers: Orphanet 145, MedGen C0677776, MeSH D061325, MONDO:0003582. Disease mechanism: loss of function.

Allele frequency attached by ClinVar (database versions not stated): gnomAD exomes below 0.00001; gnomAD 0.00001; TOPMed 0.00002.
gnomAD v4.1: 4 of 1,614,066 alleles (0.00025%); highest among the groups gnomAD compares: African/African-American, 0.0053%; no homozygotes.

Submissions (8):

Labcorp Genetics (formerly Invitae), Labcorp
Classification: Uncertain significance for Hereditary breast ovarian cancer syndrome. Last evaluated: 2025-12-29. Review status: criteria provided, single submitter. Criteria: Invitae Variant Classification Sherloc (09022015). Collection method: clinical testing. Allele origin: germline.
Comment: This sequence change replaces alanine, which is neutral and non-polar, with threonine, which is neutral and polar, at codon 1616 of the BRCA1 protein (p.Ala1616Thr). This variant is not present in population databases (gnomAD no frequency). This variant has not been reported in the literature in individuals affected with BRCA1-related conditions. ClinVar contains an entry for this variant (Variation ID: 971555). Invitae Evidence Modeling of protein sequence and biophysical properties (such as structural, functional, and spatial information, amino acid conservation, physicochemical variation, residue mobility, and thermodynamic stability) indicates that this missense variant is not expected to disrupt BRCA1 protein function with a negative predictive value of 95%. In summary, the available evidence is currently insufficient to determine the role of this variant in disease. Therefore, it has been classified as a Variant of Uncertain Significance.

Mayo Clinic Laboratories, Mayo Clinic
Classification: Uncertain significance. Last evaluated: 2025-03-05. Review status: criteria provided, single submitter. Criteria: ACMG Guidelines, 2015. Collection method: clinical testing. Allele origin: germline. Observed: 1 variant allele.

Myriad Genetics, Inc.
Classification: Benign for Breast-ovarian cancer, familial, susceptibility to, 1. Last evaluated: 2024-11-27. Review status: criteria provided, single submitter. Criteria: Myriad Autosomal Dominant, Autosomal Recessive and X-Linked Classification Criteria (2023). Collection method: clinical testing. Allele origin: unknown.
Comment: This variant is considered benign. This variant been observed in trans with a known pathogenic variant in one or more individuals. Compound heterozygosity for pathogenic variants in this gene is generally assumed to result in embryonic lethality. This variant is strongly associated with less severe personal and family histories of cancer, typical for individuals without pathogenic variants in this gene [PMID: 25085752].

Ambry Genetics
Classification: Uncertain significance for Hereditary cancer-predisposing syndrome. Last evaluated: 2024-11-24. Review status: criteria provided, single submitter. Criteria: Ambry Variant Classification Scheme 2023. Collection method: clinical testing. Allele origin: germline.
Comment: The p.A1616T variant (also known as c.4846G>A), located in coding exon 14 of the BRCA1 gene, results from a G to A substitution at nucleotide position 4846. The alanine at codon 1616 is replaced by threonine, an amino acid with similar properties. This alteration was identified in a cohort of 1040 individuals with advanced cancer diagnoses who underwent paired germline and tumor genetic testing (Mandelker D et al. JAMA, 2017 09;318:825-835). This variant was also identified in a cohort of 3,579 African males diagnosed with prostate cancer who underwent multi-gene panel testing of 19 DNA repair and cancer predisposition genes (Matejcic M et al. JCO Precis Oncol, 2020 Jan;4:32-43). This amino acid position is not well conserved in available vertebrate species, and threonine is the reference amino acid in other vertebrate species. In addition, the in silico prediction for this alteration is inconclusive. Since supporting evidence is limited at this time, the clinical significance of this alteration remains unclear.

All of Us Research Program, National Institutes of Health
Classification: Uncertain significance for BRCA1-related cancer predisposition. Last evaluated: 2024-08-06. Review status: criteria provided, single submitter. Criteria: ACMG Guidelines, 2015. Collection method: clinical testing. Allele origin: germline. Inheritance: Autosomal dominant inheritance. Observed: 2 variant alleles, 2 heterozygotes.
Comment: This missense variant replaces alanine with threonine at codon 1616 of the BRCA1 protein. Computational prediction is inconclusive regarding the impact of this variant on protein structure and function (internally defined REVEL score threshold 0.5 < inconclusive < 0.7, PMID: 27666373). To our knowledge, functional studies have not been reported for this variant. This variant has been reported in an individual affected with prostate cancer (PMID: 32832836), and in an individual affected with an unspecified, advanced cancer (PMID: 28873162). This variant has not been identified in the general population by the Genome Aggregation Database (gnomAD). The available evidence is insufficient to determine the role of this variant in disease conclusively. Therefore, this variant is classified as a Variant of Uncertain Significance.

This study involves interpretation of variants in research participants for the purpose of population health screening. Participant phenotype was not available at the time of variant classification. Additional details can be found in publication PMID: 35346344, PMCID: PMC8962531

Color Diagnostics, LLC DBA Color Health
Classification: Uncertain significance for Hereditary cancer-predisposing syndrome. Last evaluated: 2024-06-21. Review status: criteria provided, single submitter. Criteria: ACMG Guidelines, 2015. Collection method: clinical testing. Allele origin: germline.
Comment: This missense variant replaces alanine with threonine at codon 1616 of the BRCA1 protein. Computational prediction is inconclusive regarding the impact of this variant on protein structure and function. To our knowledge, functional studies have not been reported for this variant. This variant has been reported in an individual affected with prostate cancer (PMID: 32832836), and in an individual affected with an unspecified, advanced cancer (PMID: 28873162). This variant has not been identified in the general population by the Genome Aggregation Database (gnomAD). The available evidence is insufficient to determine the role of this variant in disease conclusively. Therefore, this variant is classified as a Variant of Uncertain Significance.

Baylor Genetics
Classification: Uncertain significance for Breast-ovarian cancer, familial, susceptibility to, 1. Last evaluated: 2023-12-20. Review status: criteria provided, single submitter. Criteria: ACMG Guidelines, 2015. Collection method: clinical testing. Allele origin: unknown.

PreventionGenetics, part of Exact Sciences
Classification: Uncertain significance for BRCA1-related condition. Last evaluated: 2022-10-25. Review status: criteria provided, single submitter. Criteria: ACMG Guidelines, 2015. Collection method: clinical testing. Allele origin: germline.
Comment: The BRCA1 c.4846G>A variant is predicted to result in the amino acid substitution p.Ala1616Thr. To our knowledge, this variant has not been reported in the literature or in a large population database, indicating this variant is rare. It is interpreted as uncertain in ClinVar. At this time, the clinical significance of this variant is uncertain due to the absence of conclusive functional and genetic evidence.

Literature cited by the submitters: PubMed 32832836 (cited by 4 submitters); PubMed 25085752 (cited by Myriad Genetics, Inc.); PubMed 28873162 (cited by 3 submitters).